The following is an entry in ClinVar:

ClinVar aggregate classification (germline): Uncertain significance. Review status: criteria provided, multiple submitters, no conflicts (2 of 4 stars). 2 submissions from 2 submitters: Uncertain significance (2). Last evaluated 2025-07-27.

Conditions:
Inborn genetic diseases. Identifiers: MedGen C0950123, MeSH D030342.
Baller-Gerold syndrome (BGS). Also called: CRANIOSYNOSTOSIS WITH RADIAL DEFECTS. Identifiers: Orphanet 1225, MedGen C0265308, MONDO:0009039, OMIM 218600.

Allele frequency attached by ClinVar (database versions not stated): TOPMed below 0.00001.
gnomAD v4.1: 6 of 1,595,268 alleles (0.00038%); highest among the groups gnomAD compares: Admixed American, 0.0018%; no homozygotes.

Submissions (2):

Labcorp Genetics (formerly Invitae), Labcorp
Classification: Uncertain significance for Baller-Gerold syndrome. Last evaluated: 2025-07-27. Review status: criteria provided, single submitter. Criteria: Invitae Variant Classification Sherloc (09022015). Collection method: clinical testing. Allele origin: germline.
Comment: This sequence change replaces threonine, which is neutral and polar, with alanine, which is neutral and non-polar, at codon 713 of the RECQL4 protein (p.Thr713Ala). This variant is not present in population databases (gnomAD no frequency). This variant has not been reported in the literature in individuals affected with RECQL4-related conditions. ClinVar contains an entry for this variant (Variation ID: 2051419). Invitae Evidence Modeling of protein sequence and biophysical properties (such as structural, functional, and spatial information, amino acid conservation, physicochemical variation, residue mobility, and thermodynamic stability) indicates that this missense variant is expected to disrupt RECQL4 protein function with a positive predictive value of 80%. In summary, the available evidence is currently insufficient to determine the role of this variant in disease. Therefore, it has been classified as a Variant of Uncertain Significance.

Ambry Genetics
Classification: Uncertain significance for Inborn genetic diseases. Last evaluated: 2025-02-14. Review status: criteria provided, single submitter. Criteria: Ambry Variant Classification Scheme 2023. Collection method: clinical testing. Allele origin: germline.
Comment: The p.T713A variant (also known as c.2137A>G), located in coding exon 13 of the RECQL4 gene, results from an A to G substitution at nucleotide position 2137. The threonine at codon 713 is replaced by alanine, an amino acid with similar properties. This amino acid position is conserved. In addition, the in silico prediction for this alteration is inconclusive. Based on the available evidence, the clinical significance of this variant remains unclear.

NM_004260.4(RECQL4):c.2137A>G (p.Thr713Ala)

Gene: RECQL4 (RecQ like helicase 4; minus strand). Cytogenetic location: 8q24.3.
Variant type: single nucleotide variant.
Coding change: c.2137A>G on transcript NM_004260.4 (MANE Select); coding-DNA position 2137, A replaced by G.
Protein change: p.Thr713Ala; replaces threonine 713 with alanine.
Molecular consequence: missense variant.
Genome position (GRCh38, 1-based): chr8:144,513,634, T>C on the plus strand (A>G on the coding strand, the complement: RECQL4 is on the minus strand). VCF-style: chr8-144513634-T-C. GRCh37 (hg19) VCF-style: chr8-145739018-T-C.
Other names: c.1066A>G, p.Thr356Ala (NM_001413021.1, NM_001413022.1, NM_001413023.1 and 6 more transcripts); c.2008A>G, p.Thr670Ala (NM_001413025.1); c.1000A>G, p.Thr334Ala (NM_001413027.1, NM_001413030.1, NM_001413032.1 and 1 more transcripts); c.1786A>G, p.Thr596Ala (NM_001413029.1); c.868A>G, p.Thr290Ala (NM_001413031.1); c.2005A>G, p.Thr669Ala (NM_001413033.1); c.2137A>G, p.Thr713Ala (NM_001413036.1, NM_001413018.1, NM_001413019.1); c.934A>G, p.Thr312Ala (NM_001413037.1); and 5 more; short protein forms T356A, T670A, T713A, T346A, T224A, T290A, T596A, T312A.
Identifiers: ClinVar variation 2051419 (VCV002051419.5), dbSNP rs760077772, ClinGen allele CA372679782.